The following is an entry in ClinVar:

ClinVar aggregate classification (germline): Uncertain significance (1 of 4 stars; one submission).

Conditions:
RAI1-related disorder. Also called: RAI1-related condition.

Submission:

PreventionGenetics, part of Exact Sciences
Classification: Uncertain significance for RAI1-related condition. Last evaluated: 2024-10-10. Review status: criteria provided, single submitter. Criteria: ACMG Guidelines, 2015. Collection method: clinical testing. Allele origin: germline.
Comment: The RAI1 c.2385G>C variant is predicted to result in the amino acid substitution p.Glu795Asp. To our knowledge, this variant has not been reported in the literature or in a large population database (gnomAD), indicating this variant is rare. At this time, the clinical significance of this variant is uncertain due to the absence of conclusive functional and genetic evidence.

NM_030665.4(RAI1):c.2385G>C (p.Glu795Asp)

Gene: RAI1 (retinoic acid induced 1; plus strand). Cytogenetic location: 17p11.2.
Variant type: single nucleotide variant.
Coding change: c.2385G>C on transcript NM_030665.4 (MANE Select); coding-DNA position 2385, G replaced by C.
Protein change: p.Glu795Asp; replaces glutamic acid 795 with aspartic acid.
Molecular consequence: missense variant.
Genome position (GRCh38, 1-based): chr17:17,795,333, G>C. VCF-style: chr17-17795333-G-C. GRCh37 (hg19) VCF-style: chr17-17698647-G-C.
Other names: short protein forms E795D.
Identifiers: ClinVar variation 4998400 (VCV004998400.1).